The following is an entry in ClinVar:

NM_002227.4(JAK1):c.184A>G (p.Ile62Val)

Genes: JAK1 (Janus kinase 1; minus strand), LOC129930680 (ATAC-STARR-seq lymphoblastoid active region 1132; plus strand). Cytogenetic location: 1p31.3.
Variant type: single nucleotide variant.
Coding change: c.184A>G on transcript NM_002227.4 (MANE Select); coding-DNA position 184, A replaced by G.
Protein change: p.Ile62Val; replaces isoleucine 62 with valine.
Molecular consequence: missense variant.
Genome position (GRCh38, 1-based): chr1:64,883,298, T>C on the plus strand (A>G on the coding strand, the complement: JAK1 is on the minus strand). VCF-style: chr1-64883298-T-C. GRCh37 (hg19) VCF-style: chr1-65348981-T-C.
Other names: p.Ile62Val; c.184A>G, p.Ile62Val (NM_001320923.2, NM_001321852.2, NM_001321853.2 and 4 more transcripts); short protein forms I62V.
Identifiers: ClinVar variation 134548 (VCV000134548.12), dbSNP rs202021264, ClinGen allele CA160152.
Genomic context (GRCh38, chr1:64,883,298, plus strand): 5'-TGGTGAAACCCCCAGCCCTGGGCAGCTGCCAGTACTCACGGCATGCCTGTGCAGCCCTGA[T>C]GCACAGTTCCTCTGCTGTGTACTCTCCACTGCCCAGCCGGAGGGGCTCCCTGTCCGACAG-3'
Protein context (NP_002218.2, residues 52-72): SGEYTAEELC[Ile62Val]RAAQACRISP

ClinVar aggregate classification (germline): Benign/Likely benign. Review status: criteria provided, multiple submitters, no conflicts (2 of 4 stars). 4 submissions from 4 submitters: Benign (1); Likely benign (2). 1 of the submissions does not count toward it. Last evaluated 2026-02-02.

Allele frequency attached by ClinVar (database versions not stated): 1000 Genomes Project 30x 0.00016; 1000 Genomes Project 0.00020; gnomAD 0.00041 and 0.00042; gnomAD exomes 0.00046 and 0.00072; ESP Exome Variant Server 0.00049; TOPMed 0.00054; ExAC 0.00062.
gnomAD v4.1: 780 of 1,614,016 alleles (0.048%); highest among the groups gnomAD compares: Middle Eastern, 0.18%; 2 homozygotes.

Submissions (4):

Labcorp Genetics (formerly Invitae), Labcorp
Classification: Benign. Last evaluated: 2026-02-02. Review status: criteria provided, single submitter. Criteria: Invitae Variant Classification Sherloc (09022015). Collection method: clinical testing. Allele origin: germline.

Mayo Clinic Laboratories, Mayo Clinic
Classification: Likely benign. Last evaluated: 2025-07-02. Review status: criteria provided, single submitter. Criteria: ACMG Guidelines, 2015. Collection method: clinical testing. Allele origin: germline. Observed: 2 variant alleles.
Comment: BS1, BP4, PP2

Blueprint Genetics
Classification: Likely benign. Last evaluated: 2024-07-08. Review status: criteria provided, single submitter. Criteria: ACMG Guidelines, 2015. Collection method: clinical testing. Allele origin: germline.

ITMI
No classification provided. Condition: AllHighlyPenetrant. Last evaluated: 2013-09-19. Review status: no classification provided. Collection method: reference population. Allele origin: germline. Not counted in ClinVar's aggregate classification.
Comment: Please see associated publication for description of ethnicities

Literature cited by the submitters: PubMed 24728327 (cited by ITMI).